The following is an entry in ClinVar:

NM_000166.6(GJB1):c.847T>C (p.Cys283Arg)

Gene: GJB1 (gap junction protein beta 1; plus strand). Cytogenetic location: Xq13.1.
Variant type: single nucleotide variant.
Coding change: c.847T>C on transcript NM_000166.6 (MANE Select); coding-DNA position 847, T replaced by C.
Protein change: p.Cys283Arg; replaces cysteine 283 with arginine.
Molecular consequence: missense variant.
Genome position (GRCh38, 1-based): chrX:71,224,554, T>C. VCF-style: chrX-71224554-T-C. GRCh37 (hg19) VCF-style: chrX-70444404-T-C.
Other names: c.847T>C, p.Cys283Arg (NM_001097642.3); short protein forms C283R.
Identifiers: ClinVar variation 1378093 (VCV001378093.6), dbSNP rs2147947497, ClinGen allele CA413504509.

ClinVar aggregate classification (germline): Uncertain significance (1 of 4 stars; one submission).

Conditions:
Charcot-Marie-Tooth Neuropathy X. Identifiers: MedGen CN118851.

Submission:

Labcorp Genetics (formerly Invitae), Labcorp
Classification: Uncertain significance for Charcot-Marie-Tooth Neuropathy X. Last evaluated: 2021-08-27. Review status: criteria provided, single submitter. Criteria: Invitae Variant Classification Sherloc (09022015). Collection method: clinical testing. Allele origin: germline.
Comment: This variant is not present in population databases (ExAC no frequency). This variant has not been reported in the literature in individuals affected with GJB1-related conditions. Algorithms developed to predict the effect of missense changes on protein structure and function are either unavailable or do not agree on the potential impact of this missense change (SIFT: "Deleterious"; PolyPhen-2: "Probably Damaging"; Align-GVGD: "Class C0"). In summary, the available evidence is currently insufficient to determine the role of this variant in disease. Therefore, it has been classified as a Variant of Uncertain Significance. This sequence change replaces cysteine with arginine at codon 283 of the GJB1 protein (p.Cys283Arg). The cysteine residue is highly conserved and there is a large physicochemical difference between cysteine and arginine.